The following is an entry in ClinVar:

ClinVar aggregate classification (germline): Conflicting classifications of pathogenicity. Review status: criteria provided, conflicting classifications (1 of 4 stars). 4 submissions from 4 submitters: Uncertain significance (1); Benign (1); Likely benign (2). Last evaluated 2025-11-22.

Conditions:
Age related macular degeneration 1 (ARMD1). Also called: MACULOPATHY, AGE-RELATED, 1. Identifiers: MedGen C1864205, MONDO:0011285, OMIM 603075.

Allele frequency attached by ClinVar (database versions not stated): ESP Exome Variant Server 0.00015; gnomAD 0.00024; gnomAD exomes 0.00024 and 0.00056; TOPMed 0.00025; ExAC 0.00037.

Submissions (4):

Labcorp Genetics (formerly Invitae), Labcorp
Classification: Benign. Last evaluated: 2025-11-22. Review status: criteria provided, single submitter. Criteria: Invitae Variant Classification Sherloc (09022015). Collection method: clinical testing. Allele origin: germline.

Blueprint Genetics
Classification: Likely benign. Last evaluated: 2024-09-18. Review status: criteria provided, single submitter. Criteria: ACMG Guidelines, 2015. Collection method: clinical testing. Allele origin: germline.

CeGaT Center for Human Genetics Tuebingen
Classification: Likely benign. Last evaluated: 2023-07-01. Review status: criteria provided, single submitter. Criteria: CeGaT Center For Human Genetics Tuebingen Variant Classification Criteria Version 2. Collection method: clinical testing. Allele origin: germline. Affected: yes. Observed: 1 variant allele.
Comment: HMCN1: BP4, BS1

Illumina Laboratory Services, Illumina
Classification: Uncertain significance for Age related macular degeneration 1. Last evaluated: 2018-01-13. Review status: criteria provided, single submitter. Criteria: ICSL Variant Classification Criteria 13 December 2019. Collection method: clinical testing. Allele origin: germline.

NM_031935.3(HMCN1):c.11333C>T (p.Thr3778Ile)

Gene: HMCN1 (hemicentin 1; plus strand). Cytogenetic location: 1q31.1.
Variant type: single nucleotide variant.
Coding change: c.11333C>T on transcript NM_031935.3 (MANE Select); coding-DNA position 11333, C replaced by T.
Protein change: p.Thr3778Ile; replaces threonine 3778 with isoleucine.
Molecular consequence: missense variant.
Genome position (GRCh38, 1-based): chr1:186,114,875, C>T. VCF-style: chr1-186114875-C-T. GRCh37 (hg19) VCF-style: chr1-186084007-C-T.
Other names: short protein forms T3778I.
Identifiers: ClinVar variation 294228 (VCV000294228.34), dbSNP rs199585281, ClinGen allele CA1294009.
Genomic context (GRCh38, chr1:186,114,875, plus strand): 5'-GTAGATATTCCATCTTGGAAAATGGATTCCTTCATATTCAATCAGCACATGTCACTGACA[C>T]TGGACGGTATTTGTGTATGGCCACCAATGCTGCTGGAACAGATCGCAGGCGAATAGATTT-3'
Protein context (NP_114141.2, residues 3768-3788): LHIQSAHVTD[Thr3778Ile]GRYLCMATNA